The following is an entry in ClinVar:

ClinVar aggregate classification (germline): Uncertain significance. Review status: criteria provided, multiple submitters, no conflicts (2 of 4 stars). 2 submissions from 2 submitters: Uncertain significance (2). Last evaluated 2024-10-29.

Conditions:
Benign neonatal seizures. Also called: Benign neonatal familial convulsions; Benign familial neonatal seizures; Convulsions benign familial neonatal dominant form; Autosomal dominant form of benign neonatal seizures; Benign familial neonatal epilepsy. Identifiers: Orphanet 1949, MedGen C0220669, MONDO:0016027.
Inborn genetic diseases. Identifiers: MedGen C0950123, MeSH D030342.

gnomAD v4.1: 11 of 1,614,104 alleles (0.00068%); highest among the groups gnomAD compares: Non-Finnish European, 0.00085%; no homozygotes.

Submissions (2):

Ambry Genetics
Classification: Uncertain significance for Inborn genetic diseases. Last evaluated: 2024-10-29. Review status: criteria provided, single submitter. Criteria: Ambry Variant Classification Scheme 2023. Collection method: clinical testing. Allele origin: germline.

Labcorp Genetics (formerly Invitae), Labcorp
Classification: Uncertain significance for Benign neonatal seizures. Last evaluated: 2024-06-28. Review status: criteria provided, single submitter. Criteria: Invitae Variant Classification Sherloc (09022015). Collection method: clinical testing. Allele origin: germline.
Comment: This sequence change replaces arginine, which is basic and polar, with histidine, which is basic and polar, at codon 477 of the KCNQ3 protein (p.Arg477His). This variant is not present in population databases (gnomAD no frequency). This variant has not been reported in the literature in individuals affected with KCNQ3-related conditions. ClinVar contains an entry for this variant (Variation ID: 538550). Advanced modeling of protein sequence and biophysical properties (such as structural, functional, and spatial information, amino acid conservation, physicochemical variation, residue mobility, and thermodynamic stability) performed at Invitae indicates that this missense variant is not expected to disrupt KCNQ3 protein function with a negative predictive value of 80%. In summary, the available evidence is currently insufficient to determine the role of this variant in disease. Therefore, it has been classified as a Variant of Uncertain Significance.

NM_004519.4(KCNQ3):c.1430G>A (p.Arg477His)

Gene: KCNQ3 (potassium voltage-gated channel subfamily Q member 3; minus strand). Cytogenetic location: 8q24.22.
Variant type: single nucleotide variant.
Coding change: c.1430G>A on transcript NM_004519.4 (MANE Select); coding-DNA position 1430, G replaced by A.
Protein change: p.Arg477His; replaces arginine 477 with histidine.
Molecular consequence: missense variant.
Genome position (GRCh38, 1-based): chr8:132,141,164, C>T on the plus strand (G>A on the coding strand, the complement: KCNQ3 is on the minus strand). VCF-style: chr8-132141164-C-T. GRCh37 (hg19) VCF-style: chr8-133153411-C-T.
Other names: c.1070G>A, p.Arg357His (NM_001204824.2); short protein forms R477H, R357H.
Identifiers: ClinVar variation 538550 (VCV000538550.10), dbSNP rs141821338, ClinGen allele CA372219872.
Genomic context (GRCh38, chr8:132,141,164, plus strand): 5'-AGGGAGGGAGATAAAAAGGCATTACCTTCAGAACTCTGCCAGAAAGCGTAGGCTTTCATG[C>T]GGAAGGCCGTGCGGAAACGCTCTTTATTGTTTAAGCCAACAGGCTTTGGTTCTTTAGAAG-3'
Protein context (NP_004510.1, residues 467-487): NNKERFRTAF[Arg477His]MKAYAFWQSS